The following is an entry in ClinVar:

ClinVar aggregate classification (germline): Uncertain significance. Review status: criteria provided, multiple submitters, no conflicts (2 of 4 stars). 4 submissions from 4 submitters: Uncertain significance (3). 1 of the submissions does not count toward it. Last evaluated 2021-07-14.

Conditions:
RIPK4-related disorder. Also called: RIPK4-related condition.
Inborn genetic diseases. Identifiers: MedGen C0950123, MeSH D030342.
Bartsocas-Papas syndrome 1. Also called: MULTIPLE PTERYGIUM SYNDROME, ASLAN TYPE; Bartsocas-Papas syndrome; PTERYGIUM, POPLITEAL, LETHAL TYPE. Identifiers: Orphanet 1234, MedGen C1849718, MONDO:0009901, OMIM 263650.

Allele frequency attached by ClinVar (database versions not stated): gnomAD exomes 0.00011 and 0.00021; ExAC 0.00020; gnomAD 0.00021 and 0.00024; TOPMed 0.00024; ESP Exome Variant Server 0.00031.
gnomAD v4.1: 209 of 1,613,022 alleles (0.013%); highest among the groups gnomAD compares: Admixed American, 0.03%; 1 homozygote.

Submissions (4):

Ambry Genetics
Classification: Uncertain significance for Inborn genetic diseases. Last evaluated: 2021-07-14. Review status: criteria provided, single submitter. Criteria: Ambry Variant Classification Scheme 2023. Collection method: clinical testing. Allele origin: germline.

Illumina Laboratory Services, Illumina
Classification: Uncertain significance for Bartsocas-Papas syndrome 1. Last evaluated: 2018-01-13. Review status: criteria provided, single submitter. Criteria: ICSL Variant Classification Criteria 13 December 2019. Collection method: clinical testing. Allele origin: germline.

Breakthrough Genomics
Classification: Uncertain significance. Review status: criteria provided, single submitter. Criteria: ACMG Guidelines, 2015. Collection method: not provided. Allele origin: germline. Inheritance: Autosomal dominant inheritance. Affected: yes.

PreventionGenetics, part of Exact Sciences
Classification: Likely benign for RIPK4-related condition. Last evaluated: 2023-12-18. Review status: no assertion criteria provided. Collection method: clinical testing. Allele origin: germline. Not counted in ClinVar's aggregate classification.
Comment: This variant is classified as likely benign based on ACMG/AMP sequence variant interpretation guidelines (Richards et al. 2015 PMID: 25741868, with internal and published modifications).

NM_020639.3(RIPK4):c.1039G>A (p.Val347Ile)

Gene: RIPK4 (receptor interacting serine/threonine kinase 4; minus strand). Cytogenetic location: 21q22.3.
Variant type: single nucleotide variant.
Coding change: c.1039G>A on transcript NM_020639.3 (MANE Select); coding-DNA position 1039, G replaced by A.
Protein change: p.Val347Ile; replaces valine 347 with isoleucine.
Molecular consequence: missense variant.
Genome position (GRCh38, 1-based): chr21:41,744,038, C>T on the plus strand (G>A on the coding strand, the complement: RIPK4 is on the minus strand). VCF-style: chr21-41744038-C-T. GRCh37 (hg19) VCF-style: chr21-43164198-C-T.
Other names: short protein forms V347I.
Identifiers: ClinVar variation 897227 (VCV000897227.9), dbSNP rs150480670, ClinGen allele CA10035419.